The following is an entry in ClinVar:

NM_015215.4(CAMTA1):c.482T>C (p.Phe161Ser)

Gene: CAMTA1 (calmodulin binding transcription activator 1; plus strand). Cytogenetic location: 1p36.23.
Variant type: single nucleotide variant.
Coding change: c.482T>C on transcript NM_015215.4 (MANE Select); coding-DNA position 482, T replaced by C.
Protein change: p.Phe161Ser; replaces phenylalanine 161 with serine.
Molecular consequence: missense variant.
Genome position (GRCh38, 1-based): chr1:7,467,873, T>C. VCF-style: chr1-7467873-T-C. GRCh37 (hg19) VCF-style: chr1-7527933-T-C.
Other names: c.392T>C, p.Phe131Ser (NM_001349608.2, NM_001349612.2); c.482T>C, p.Phe161Ser (NM_001349609.2, NM_001349610.2); short protein forms F161S, F131S.
Identifiers: ClinVar variation 426755 (VCV000426755.2), dbSNP rs1085307781, ClinGen allele CA338219566.

ClinVar aggregate classification (germline): Uncertain significance (1 of 4 stars; one submission).

Submission:

GeneDx
Classification: Uncertain significance. Last evaluated: 2018-02-06. Review status: criteria provided, single submitter. Criteria: GeneDx Variant Classification (06012015). Collection method: clinical testing. Allele origin: germline. Affected: yes.
Comment: The F161S variant in the CAMTA1 gene has not been reported previously as a pathogenic variant, nor as a benign variant, to our knowledge. The F161S variant is not observed in large population cohorts (Lek et al., 2016; 1000 Genomes Consortium et al., 2015; Exome Variant Server). The F161S variant is a non-conservative amino acid substitution, which is likely to impact secondary protein structure as these residues differ in polarity, charge, size and/or other properties. This substitution occurs at a position that is conserved across species. In silico analysis predicts this variant is probably damaging to the protein structure/function. We interpret F161S as a variant of uncertain significance.